The following is an entry in ClinVar:

ClinVar aggregate classification (germline): Conflicting classifications of pathogenicity. Review status: criteria provided, conflicting classifications (1 of 4 stars). 10 submissions from 9 submitters: Uncertain significance (4); Likely benign (5). 1 of the submissions does not count toward it. Last evaluated 2026-07-01.

Conditions:
LARGE1-related disorder. Also called: LARGE1-related condition.
Muscular dystrophy-dystroglycanopathy type B6 (MDDGB6). Also called: MUSCULAR DYSTROPHY, CONGENITAL, LARGE-RELATED; MUSCULAR DYSTROPHY, CONGENITAL, TYPE 1D; MUSCULAR DYSTROPHY-DYSTROGLYCANOPATHY (CONGENITAL WITH IMPAIRED INTELLECTUAL DEVELOPMENT), TYPE B, 6. Identifiers: MedGen C1837229, MONDO:0012138, OMIM 608840.
Muscular dystrophy-dystroglycanopathy (congenital with brain and eye anomalies), type A6. Also called: MUSCULAR DYSTROPHY-DYSTROGLYCANOPATHY (CONGENITAL WITH BRAIN AND EYE ANOMALIES), TYPE A, 6; WALKER-WARBURG SYNDROME OR MUSCLE-EYE-BRAIN DISEASE, LARGE-RELATED. Identifiers: Orphanet 588, Orphanet 899, MedGen C3150414, MONDO:0013158, OMIM 613154.

Allele frequency attached by ClinVar (database versions not stated): 1000 Genomes Project 0.00040; 1000 Genomes Project 30x 0.00047; ESP Exome Variant Server 0.00062; ExAC 0.00082; gnomAD exomes 0.00088 and 0.00153; gnomAD 0.00098 and 0.00100; TOPMed 0.00115.
gnomAD v4.1: 2,389 of 1,614,104 alleles (0.15%); highest among the groups gnomAD compares: Admixed American, 0.19%; 1 homozygote.

Submissions (10):

CeGaT Center for Human Genetics Tuebingen
Classification: Likely benign. Last evaluated: 2026-07-01. Review status: criteria provided, single submitter. Criteria: CeGaT Center For Human Genetics Tuebingen Variant Classification Criteria Version 2. Collection method: clinical testing. Allele origin: germline. Affected: yes. Observed: 12 variant alleles.
Comment: LARGE1: BP4, BP7

Labcorp Genetics (formerly Invitae), Labcorp
Classification: Likely benign for Muscular dystrophy-dystroglycanopathy type B6. Last evaluated: 2026-01-28. Review status: criteria provided, single submitter. Criteria: Invitae Variant Classification Sherloc (09022015). Collection method: clinical testing. Allele origin: germline.

Athena Diagnostics
Classification: Likely benign. Last evaluated: 2025-04-28. Review status: criteria provided, single submitter. Criteria: Athena Diagnostics Criteria. Collection method: clinical testing. Allele origin: unknown.
Comment: Computational tools yielded predictions that this variant is unlikely to have an effect on normal RNA splicing. This nucleotide position exhibits low evolutionary conservation.

Blueprint Genetics
Classification: Likely benign. Last evaluated: 2024-10-17. Review status: criteria provided, single submitter. Criteria: ACMG Guidelines, 2015. Collection method: clinical testing. Allele origin: germline.

GeneDx
Classification: Likely benign. Last evaluated: 2020-01-23. Review status: criteria provided, single submitter. Criteria: GeneDx Variant Classification Process June 2021. Collection method: clinical testing. Allele origin: germline. Affected: yes.
Comment: This variant is associated with the following publications: (PMID: 17878207)

Illumina Laboratory Services, Illumina
Classification: Uncertain significance for Muscular dystrophy-dystroglycanopathy type B6. Last evaluated: 2018-01-12. Review status: criteria provided, single submitter. Criteria: ICSL Variant Classification Criteria 13 December 2019. Collection method: clinical testing. Allele origin: germline.

Illumina Laboratory Services, Illumina
Classification: Uncertain significance for Muscular dystrophy-dystroglycanopathy (congenital with brain and eye anomalies), type A6. Last evaluated: 2018-01-12. Review status: criteria provided, single submitter. Criteria: ICSL Variant Classification Criteria 13 December 2019. Collection method: clinical testing. Allele origin: germline.

Eurofins Ntd Llc (ga)
Classification: Uncertain significance. Last evaluated: 2016-08-09. Review status: criteria provided, single submitter. Criteria: EGL Classification Definitions 2015. Collection method: clinical testing. Allele origin: germline. Observed: 1 variant allele, 1 heterozygote.

Genetic Services Laboratory, University of Chicago
Classification: Uncertain significance. Last evaluated: 2015-09-08. Review status: criteria provided, single submitter. Criteria: ACMG Guidelines, 2015. Collection method: clinical testing. Allele origin: germline. Affected: no.

PreventionGenetics, part of Exact Sciences
Classification: Likely benign for LARGE1-related condition. Last evaluated: 2019-04-12. Review status: no assertion criteria provided. Collection method: clinical testing. Allele origin: germline. Not counted in ClinVar's aggregate classification.
Comment: This variant is classified as likely benign based on ACMG/AMP sequence variant interpretation guidelines (Richards et al. 2015 PMID: 25741868, with internal and published modifications).

Literature cited by the submitters: PubMed 17878207 (cited by Athena Diagnostics).

NM_133642.5(LARGE1):c.1092C>T (p.Thr364=)

Gene: LARGE1 (LARGE xylosyl- and glucuronyltransferase 1; minus strand). Cytogenetic location: 22q12.3.
Variant type: single nucleotide variant.
Coding change: c.1092C>T on transcript NM_133642.5 (MANE Select); coding-DNA position 1092, C replaced by T.
Protein change: p.Thr364=; no amino-acid change (threonine 364 retained).
Molecular consequence: synonymous variant.
Genome position (GRCh38, 1-based): chr22:33,381,958, G>A on the plus strand (C>T on the coding strand, the complement: LARGE1 is on the minus strand). VCF-style: chr22-33381958-G-A. GRCh37 (hg19) VCF-style: chr22-33777944-G-A.
Other names: c.1092C>T, p.Thr364= (NM_001362949.2, NM_001362951.2, NM_001362953.2 and 7 more transcripts); c.489C>T, p.Thr163= (NM_001378630.1, NM_001378631.1); c.1092C>T (NM_004737.5).
Identifiers: ClinVar variation 289726 (VCV000289726.61), dbSNP rs144216539, ClinGen allele CA10202859.
Genomic context (GRCh38, chr22:33,381,958, plus strand): 5'-ATGTCCCTGTGTTGACCCTACCTTTAGATCAGACACGTCTCTGTAGCACTGCTCGGAGCG[G>A]GTGTGGTCTGACAGCTGCACATTCCAGAAGCAGGGGAGCTGGTACACAAGGAAGGGGTTT-3'
Protein context (NP_598397.1, residues 354-374): CFWNVQLSDH[Thr364=]RSEQCYRDVS